The following is an entry in ClinVar:

NM_006031.6(PCNT):c.2424G>C (p.Leu808=)

Gene: PCNT (pericentrin; plus strand). Cytogenetic location: 21q22.3.
Variant type: single nucleotide variant.
Coding change: c.2424G>C on transcript NM_006031.6 (MANE Select); coding-DNA position 2424, G replaced by C.
Protein change: p.Leu808=; no amino-acid change (leucine 808 retained).
Molecular consequence: synonymous variant.
Genome position (GRCh38, 1-based): chr21:46,363,749, G>C. VCF-style: chr21-46363749-G-C. GRCh37 (hg19) VCF-style: chr21-47783664-G-C.
Other names: c.2070G>C, p.Leu690= (NM_001315529.2); c.2424G>C (NM_006031.5).
Identifiers: ClinVar variation 2068393 (VCV002068393.6), dbSNP rs766379128, ClinGen allele CA10078966.

ClinVar aggregate classification (germline): Likely benign. Review status: criteria provided, single submitter (1 of 4 stars). 2 submissions from 2 submitters: Likely benign (1). 1 of the submissions does not count toward it. Last evaluated 2023-09-10.

Conditions:
PCNT-related disorder. Also called: PCNT-related condition.

Allele frequency attached by ClinVar (database versions not stated): gnomAD 0.00001; gnomAD exomes 0.00004; ExAC 0.00010; TOPMed 0.00005.
gnomAD v4.1: 25 of 1,614,098 alleles (0.0015%); highest among the groups gnomAD compares: Admixed American, 0.04%; no homozygotes.

Submissions (2):

Labcorp Genetics (formerly Invitae), Labcorp
Classification: Likely benign. Last evaluated: 2023-09-10. Review status: criteria provided, single submitter. Criteria: Invitae Variant Classification Sherloc (09022015). Collection method: clinical testing. Allele origin: germline.

PreventionGenetics, part of Exact Sciences
Classification: Likely benign for PCNT-related condition. Last evaluated: 2021-07-13. Review status: no assertion criteria provided. Collection method: clinical testing. Allele origin: germline. Not counted in ClinVar's aggregate classification.
Comment: This variant is classified as likely benign based on ACMG/AMP sequence variant interpretation guidelines (Richards et al. 2015 PMID: 25741868, with internal and published modifications).